The following is an entry in ClinVar:

NM_001256317.3(TMPRSS3):c.1053C>T (p.Asp351=)

Gene: TMPRSS3 (transmembrane serine protease 3; minus strand). Cytogenetic location: 21q22.3.
Variant type: single nucleotide variant.
Coding change: c.1053C>T on transcript NM_001256317.3 (MANE Select); coding-DNA position 1053, C replaced by T.
Protein change: p.Asp351=; no amino-acid change (aspartic acid 351 retained).
Molecular consequence: synonymous variant.
Genome position (GRCh38, 1-based): chr21:42,376,679, G>A on the plus strand (C>T on the coding strand, the complement: TMPRSS3 is on the minus strand). VCF-style: chr21-42376679-G-A. GRCh37 (hg19) VCF-style: chr21-43796788-G-A.
Other names: c.1056C>T, p.Asp352= (NM_024022.4); c.675C>T, p.Asp225= (NM_032404.3).
Identifiers: ClinVar variation 46095 (VCV000046095.8), dbSNP rs397517369, ClinGen allele CA137674.

ClinVar aggregate classification (germline): Likely benign. Review status: criteria provided, multiple submitters, no conflicts (2 of 4 stars). 2 submissions from 2 submitters: Likely benign (2). Last evaluated 2024-02-06.

Allele frequency attached by ClinVar (database versions not stated): ExAC 0.00002; gnomAD 0.00006; TOPMed 0.00006; 1000 Genomes Project 30x 0.00016; 1000 Genomes Project 0.00020.
gnomAD v4.1: 48 of 1,614,046 alleles (0.003%); highest among the groups gnomAD compares: African/African-American, 0.011%; 1 homozygote.

Submissions (2):

Labcorp Genetics (formerly Invitae), Labcorp
Classification: Likely benign. Last evaluated: 2024-02-06. Review status: criteria provided, single submitter. Criteria: Invitae Variant Classification Sherloc (09022015). Collection method: clinical testing. Allele origin: germline.

Laboratory for Molecular Medicine, Mass General Brigham Personalized Medicine
Classification: Likely benign. Last evaluated: 2010-08-05. Review status: criteria provided, single submitter. Criteria: LMM Criteria. Collection method: clinical testing. Allele origin: germline. Observed: 1 variant allele.
Comment: Asp352Asp in exon 11 of TMPRSS3: This variant is not expected to have clinical s ignificance because it does not alter an amino acid residue and is not located n ear a splice junction.